The following is an entry in ClinVar:

NM_033305.3(VPS13A):c.550A>G (p.Met184Val)

Gene: VPS13A (vacuolar protein sorting 13 homolog A; plus strand). Cytogenetic location: 9q21.2.
Variant type: single nucleotide variant.
Coding change: c.550A>G on transcript NM_033305.3 (MANE Select); coding-DNA position 550, A replaced by G.
Protein change: p.Met184Val; replaces methionine 184 with valine.
Molecular consequence: missense variant.
Genome position (GRCh38, 1-based): chr9:77,210,670, A>G. VCF-style: chr9-77210670-A-G. GRCh37 (hg19) VCF-style: chr9-79825586-A-G.
Other names: c.550A>G, p.Met184Val (NM_001018037.2, NM_001018038.3, NM_015186.4); short protein forms M184V.
Identifiers: ClinVar variation 1328244 (VCV001328244.3), dbSNP rs1825931122, ClinGen allele CA373842489.

ClinVar aggregate classification (germline): Uncertain significance. Review status: criteria provided, single submitter (1 of 4 stars). 3 submissions from 3 submitters: Uncertain significance (1). 2 of the submissions do not count toward it. Last evaluated 2025-02-26.

Allele frequency attached by ClinVar (database versions not stated): gnomAD exomes below 0.00001; gnomAD 0.00001.

Submissions (3):

Labcorp Genetics (formerly Invitae), Labcorp
Classification: Uncertain significance. Last evaluated: 2025-02-26. Review status: criteria provided, single submitter. Criteria: Invitae Variant Classification Sherloc (09022015). Collection method: clinical testing. Allele origin: germline.
Comment: This sequence change replaces methionine, which is neutral and non-polar, with valine, which is neutral and non-polar, at codon 184 of the VPS13A protein (p.Met184Val). This variant is not present in population databases (gnomAD no frequency). This variant has not been reported in the literature in individuals affected with VPS13A-related conditions. ClinVar contains an entry for this variant (Variation ID: 1328244). Invitae Evidence Modeling of protein sequence and biophysical properties (such as structural, functional, and spatial information, amino acid conservation, physicochemical variation, residue mobility, and thermodynamic stability) has been performed for this missense variant. However, the output from this modeling did not meet the statistical confidence thresholds required to predict the impact of this variant on VPS13A protein function. In summary, the available evidence is currently insufficient to determine the role of this variant in disease. Therefore, it has been classified as a Variant of Uncertain Significance.

Clinical Genetics DNA and cytogenetics Diagnostics Lab, Erasmus MC, Erasmus Medical Center
Classification: Likely benign. Review status: no assertion criteria provided. Collection method: clinical testing. Allele origin: germline. Affected: yes. Study: VKGL Data-share Consensus. Not counted in ClinVar's aggregate classification.

Genome Diagnostics Laboratory, Amsterdam University Medical Center
Classification: Likely benign. Review status: no assertion criteria provided. Collection method: clinical testing. Allele origin: germline. Affected: yes. Study: VKGL Data-share Consensus. Not counted in ClinVar's aggregate classification.